The following is an entry in ClinVar:

ClinVar aggregate classification (germline): Likely pathogenic (1 of 4 stars; one submission).

Conditions:
VPS13A-related neurodegenerative disease. Also called: LEVINE-CRITCHLEY SYNDROME; Choreaacanthocytosis; ACANTHOCYTOSIS WITH NEUROLOGIC DISORDER; VPS13A Disease; Choreoacanthocytosis; Chorea-acanthocytosis. Identifiers: Orphanet 2388, MedGen C0393576, MONDO:0008695, OMIM 200150.

Submission:

Juno Genomics, Hangzhou Juno Genomics, Inc
Classification: Likely pathogenic for VPS13A-related neurodegenerative disease. Review status: criteria provided, single submitter. Criteria: ACMG Guidelines, 2015. Collection method: clinical testing. Allele origin: germline.
Comment: Null variant in a gene where loss of function (LOF) is a known mechanism of disease.;Absent from controls (or at extremely low frequency if recessive) in Genome Aggregation Database.

NM_033305.3(VPS13A):c.4821_4822del (p.Cys1608fs)

Gene: VPS13A (vacuolar protein sorting 13 homolog A; plus strand). Cytogenetic location: 9q21.2.
Variant type: Deletion.
Coding change: c.4821_4822del on transcript NM_033305.3 (MANE Select); coding-DNA positions 4821 to 4822, 2 bases deleted (CT; older notation c.4821_4822delCT).
Protein change: p.Cys1608fs; shifts the reading frame from cysteine 1608.
Molecular consequence: frameshift variant.
Genome position (GRCh38, 1-based): chr9:77,316,364-77,316,365, CT deleted. VCF-style (leftmost placement, unchanged base first): chr9-77316363-CCT-C. GRCh37 (hg19) VCF-style: chr9-79931279-CCT-C.
Other names: c.4704_4705del, p.Cys1569fs (NM_001018037.2); c.4821_4822del, p.Cys1608fs (NM_001018038.3, NM_015186.4); short protein forms C1569fs, C1608fs.
Identifiers: ClinVar variation 5007466 (VCV005007466.2).
Genomic context (GRCh38, chr9:77,316,363, plus strand): 5'-ATAAAGGTAACCTTGAAAATAGTACAATGACTGCTGCCATTAAAGATCTCCAAGTGAGAG[CCT>C]GCCCGTTTCTTCCAGTCAAGAGAAAAGGCAAAATCACTACTGTGAGTTAACTATTTGATC-3'